The following is an entry in ClinVar:

ClinVar aggregate classification (germline): Benign/Likely benign. Review status: criteria provided, multiple submitters, no conflicts (2 of 4 stars). 8 submissions from 8 submitters: Benign (7); Likely benign (1). Last evaluated 2026-02-04.

Conditions:
Combined immunodeficiency due to DOCK8 deficiency (HIES2). Also called: Hyper-IgE recurrent infection syndrome, autosomal recessive; HYPER-IgE RECURRENT INFECTION SYNDROME 2, AUTOSOMAL RECESSIVE; DOCK8 Deficiency; HIES autosomal recessive; HYPER-IgE SYNDROME 2, AUTOSOMAL RECESSIVE, WITH RECURRENT INFECTIONS. Identifiers: Orphanet 217390, MedGen C4722305, MONDO:0009478, OMIM 243700.

Allele frequency attached by ClinVar (database versions not stated): gnomAD exomes 0.06734; ExAC 0.07024; 1000 Genomes Project 0.07169; 1000 Genomes Project 30x 0.07558; gnomAD 0.09024 and 0.09400; TOPMed 0.09144; ESP Exome Variant Server 0.10057.
gnomAD v4.1: 115,751 of 1,612,724 alleles (7.2%); highest among the groups gnomAD compares: African/African-American, 15%; 4,631 homozygotes.

Submissions (8):

Labcorp Genetics (formerly Invitae), Labcorp
Classification: Benign for Combined immunodeficiency due to DOCK8 deficiency. Last evaluated: 2026-02-04. Review status: criteria provided, single submitter. Criteria: Invitae Variant Classification Sherloc (09022015). Collection method: clinical testing. Allele origin: germline.

Women's Health and Genetics/Laboratory Corporation of America, LabCorp
Classification: Benign. Last evaluated: 2026-01-21. Review status: criteria provided, single submitter. Criteria: LabCorp Variant Classification Summary - May 2015. Collection method: clinical testing. Allele origin: germline.

Blueprint Genetics
Classification: Likely benign. Last evaluated: 2024-11-27. Review status: criteria provided, single submitter. Criteria: ACMG Guidelines, 2015. Collection method: clinical testing. Allele origin: germline.

Mayo Clinic Laboratories, Mayo Clinic
Classification: Benign. Last evaluated: 2019-03-18. Review status: criteria provided, single submitter. Criteria: ACMG Guidelines, 2015. Collection method: clinical testing. Allele origin: germline. Observed: 149 variant alleles.

Illumina Laboratory Services, Illumina
Classification: Benign for Combined immunodeficiency due to DOCK8 deficiency. Last evaluated: 2018-01-13. Review status: criteria provided, single submitter. Criteria: ICSL Variant Classification Criteria 13 December 2019. Collection method: clinical testing. Allele origin: germline.
Comment: This variant was observed in the ICSL laboratory as part of a predisposition screen in an ostensibly healthy population. It had not been previously curated by ICSL or reported in the Human Gene Mutation Database (HGMD: prior to June 1st, 2018), and was therefore a candidate for classification through an automated scoring system. Utilizing variant allele frequency, disease prevalence and penetrance estimates, and inheritance mode, an automated score was calculated to assess if this variant is too frequent to cause the disease. Based on the score and internal cut-off values, a variant classified as benign is not then subjected to further curation. The score for this variant resulted in a classification of benign for this disease.

GeneDx
Classification: Benign. Last evaluated: 2014-03-11. Review status: criteria provided, single submitter. Criteria: GeneDx Variant Classification (06012015). Collection method: clinical testing. Allele origin: germline. Affected: yes.
Comment: This variant is considered likely benign or benign based on one or more of the following criteria: it is a conservative change, it occurs at a poorly conserved position in the protein, it is predicted to be benign by multiple in silico algorithms, and/or has population frequency not consistent with disease.

Laboratory for Molecular Medicine, Mass General Brigham Personalized Medicine
Classification: Benign. Last evaluated: 2013-02-21. Review status: criteria provided, single submitter. Criteria: LMM Criteria. Collection method: clinical testing. Allele origin: germline. Observed: 6 variant alleles.
Comment: Pro1944Pro in exon 45 of DOCK8: This variant is not expected to have clinical si gnificance because it does not alter an amino acid residue and is not located wi thin the splice consensus sequence. It has been identified in 15.4% (677/4406) o f African American chromosomes from a broad population by the NHLBI Exome Sequen cing Project (dbSNP rs10491684).

Breakthrough Genomics
Classification: Benign. Review status: criteria provided, single submitter. Criteria: ACMG Guidelines, 2015. Collection method: not provided. Allele origin: germline. Inheritance: Autosomal recessive inheritance. Affected: yes.

NM_203447.4(DOCK8):c.5832G>A (p.Pro1944=)

Gene: DOCK8 (dedicator of cytokinesis 8; plus strand). Cytogenetic location: 9p24.3.
Variant type: single nucleotide variant.
Coding change: c.5832G>A on transcript NM_203447.4 (MANE Select); coding-DNA position 5832, G replaced by A.
Protein change: p.Pro1944=; no amino-acid change (proline 1944 retained).
Molecular consequence: synonymous variant.
Genome position (GRCh38, 1-based): chr9:449,798, G>A. VCF-style: chr9-449798-G-A. GRCh37 (hg19) VCF-style: chr9-449798-G-A.
Other names: p.P1876P:CCG>CCA; p.Pro1944=; c.5532G>A, p.Pro1844= (NM_001190458.2); c.5628G>A, p.Pro1876= (NM_001193536.2).
Identifiers: ClinVar variation 137153 (VCV000137153.20), dbSNP rs10491684, ClinGen allele CA175874.